The following is an entry in ClinVar:

ClinVar aggregate classification (germline): Uncertain significance (1 of 4 stars; one submission).

Submission:

Greenwood Genetic Center Diagnostic Laboratories, Greenwood Genetic Center
Classification: Uncertain significance. Last evaluated: 2022-05-09. Review status: criteria provided, single submitter. Criteria: ACMG Guidelines, 2015. Collection method: clinical testing. Allele origin: germline. Affected: yes.
Comment: PM2

NM_012141.3(INTS6):c.613+2T>C

Gene: INTS6 (integrator complex subunit 6; minus strand). Cytogenetic location: 13q14.3.
Variant type: single nucleotide variant.
Coding change: c.613+2T>C on transcript NM_012141.3 (MANE Select); the canonical splice donor site of the intron after coding-DNA position 613, T replaced by C.
Molecular consequence: splice donor variant.
Genome position (GRCh38, 1-based): chr13:51,395,298, A>G on the plus strand (T>C on the coding strand, the complement: INTS6 is on the minus strand). VCF-style: chr13-51395298-A-G. GRCh37 (hg19) VCF-style: chr13-51969434-A-G.
Other names: c.574+2T>C (NM_001039937.2); c.79+2T>C (NM_001306091.2).
Identifiers: ClinVar variation 1703190 (VCV001703190.3), dbSNP rs2541682258, ClinGen allele CA388224064.
Genomic context (GRCh38, chr13:51,395,298, plus strand): 5'-TTTTAAAACATTCAGATAAAATCTGCTTTAAGTTACCAAATTACTGCCAGCAAAAAACTT[A>G]CCGCCTGTCACTTCACACATTGGTGTGATTGCAGAGTCATCTAAAGGCACACCTGTCAAC-3'